The following is an entry in ClinVar:

ClinVar aggregate classification (germline): Uncertain significance. Review status: criteria provided, multiple submitters, no conflicts (2 of 4 stars). 7 submissions from 7 submitters: Uncertain significance (7). Last evaluated 2025-10-24.

Conditions:
Myosin storage myopathy (CMYO7A). Also called: MYOPATHY, HYALINE BODY, AUTOSOMAL DOMINANT; Scapuloperoneal myopathy, MYH7-related; MYH7-related late-onset scapuloperoneal muscular dystrophy; Congenital myopathy 7A, myosin storage, autosomal dominant; MYOPATHY WITH LYSIS OF TYPE I MYOFIBRILS; SCAPULOPERONEAL MUSCULAR DYSTROPHY. Identifiers: Orphanet 437572, Orphanet 636965, MedGen C1842160, MONDO:0008409, OMIM 608358.
Myopathy, myosin storage, autosomal recessive (CMYO7B). Also called: CONGENITAL MYOPATHY 7B, MYOSIN STORAGE, AUTOSOMAL RECESSIVE. Identifiers: Orphanet 636970, MedGen C1850709, MONDO:0009708, OMIM 255160.
Hypertrophic cardiomyopathy 1 (CMH1). Also called: Familial hypertrophic cardiomyopathy 1; MYH7-Related Familial Hypertrophic Cardiomyopathy. Identifiers: MedGen C3495498, MONDO:0008647, OMIM 192600.
MYH7-related skeletal myopathy. Also called: Myopathy, distal, 1; MYOPATHY, DISTAL, EARLY-ONSET, AUTOSOMAL DOMINANT; MYOPATHY, LATE DISTAL HEREDITARY; Laing distal myopathy; Laing early-onset distal myopathy. Identifiers: Orphanet 59135, MedGen C4552004, MONDO:0008050, OMIM 160500.
Congenital myopathy with fiber type disproportion. Also called: Congenital fiber-type disproportion; Congenital fiber-type disproportion myopathy. Identifiers: Orphanet 2020, MedGen C0546264, MONDO:0009711. Inheritance: all.
Dilated cardiomyopathy 1S (CMD1S). Identifiers: Orphanet 154, Orphanet 54260, MedGen C1834481, MONDO:0013262, OMIM 613426.
Cardiovascular phenotype. Identifiers: MedGen CN230736.
Cardiomyopathy (CMYO). Also called: Cardiomyopathies. Identifiers: Orphanet 167848, MedGen C0878544, MONDO:0004994, HP:0001638. Inheritance: Various modes of inheritance.
Hypertrophic cardiomyopathy. Also called: HYPERTROPHIC MYOCARDIOPATHY. Identifiers: Orphanet 217569, MedGen C0007194, MeSH D002312, MONDO:0005045, HP:0001639.

Allele frequency attached by ClinVar (database versions not stated): gnomAD exomes below 0.00001; ExAC 0.00001; gnomAD 0.00001; TOPMed 0.00002.
gnomAD v4.1: 4 of 1,613,998 alleles (0.00025%); highest among the groups gnomAD compares: African/African-American, 0.0027%; no homozygotes.

Submissions (7):

Labcorp Genetics (formerly Invitae), Labcorp
Classification: Uncertain significance for Hypertrophic cardiomyopathy. Last evaluated: 2025-10-24. Review status: criteria provided, single submitter. Criteria: Invitae Variant Classification Sherloc (09022015). Collection method: clinical testing. Allele origin: germline.
Comment: This sequence change replaces glutamine, which is neutral and polar, with glutamic acid, which is acidic and polar, at codon 1004 of the MYH7 protein (p.Gln1004Glu). This variant is present in population databases (rs730880762, gnomAD 0.007%). This variant has not been reported in the literature in individuals affected with MYH7-related conditions. ClinVar contains an entry for this variant (Variation ID: 181209). Invitae Evidence Modeling of protein sequence and biophysical properties (such as structural, functional, and spatial information, amino acid conservation, physicochemical variation, residue mobility, and thermodynamic stability) indicates that this missense variant is expected to disrupt MYH7 protein function with a positive predictive value of 95%. In summary, the available evidence is currently insufficient to determine the role of this variant in disease. Therefore, it has been classified as a Variant of Uncertain Significance.

Color Diagnostics, LLC DBA Color Health
Classification: Uncertain significance for Cardiomyopathy. Last evaluated: 2024-03-06. Review status: criteria provided, single submitter. Criteria: ACMG Guidelines, 2015. Collection method: clinical testing. Allele origin: germline.
Comment: This missense variant replaces glutamine with glutamic acid at codon 1004 of the MYH7 protein. Computational prediction is inconclusive regarding the impact of this variant on protein structure and function (internally defined REVEL score threshold 0.5 < inconclusive < 0.7, PMID: 27666373). To our knowledge, functional studies have not been reported for this variant. This variant has not been reported in individuals affected with cardiovascular disorders in the literature. This variant has been identified in 1/251494 chromosomes in the general population by the Genome Aggregation Database (gnomAD). The available evidence is insufficient to determine the role of this variant in disease conclusively. Therefore, this variant is classified as a Variant of Uncertain Significance.

Blueprint Genetics
Classification: Uncertain significance. Last evaluated: 2023-05-31. Review status: criteria provided, single submitter. Criteria: ACMG Guidelines, 2015. Collection method: clinical testing. Allele origin: germline.

All of Us Research Program, National Institutes of Health
Classification: Uncertain significance for Cardiomyopathy. Last evaluated: 2023-01-10. Review status: criteria provided, single submitter. Criteria: ACMG Guidelines, 2015. Collection method: clinical testing. Allele origin: germline. Inheritance: Autosomal dominant inheritance. Observed: 1 variant allele, 1 heterozygote.
Comment: This missense variant replaces glutamine with glutamic acid at codon 1004 of the MYH7 protein. Computational prediction is inconclusive regarding the impact of this variant on protein structure and function (internally defined REVEL score threshold 0.5 < inconclusive < 0.7, PMID: 27666373). To our knowledge, functional studies have not been reported for this variant. This variant has not been reported in individuals affected with cardiovascular disorders in the literature. This variant has been identified in 1/251494 chromosomes in the general population by the Genome Aggregation Database (gnomAD). The available evidence is insufficient to determine the role of this variant in disease conclusively. Therefore, this variant is classified as a Variant of Uncertain Significance.

This study involves interpretation of variants in research participants for the purpose of population health screening. Participant phenotype was not available at the time of variant classification. Additional details can be found in publication PMID: 35346344, PMCID: PMC8962531

Fulgent Genetics
Classification: Uncertain significance for MYH7-related skeletal myopathy; Myosin storage myopathy; Hypertrophic cardiomyopathy 1; Myopathy, myosin storage, autosomal recessive; Congenital myopathy 4A, autosomal dominant; Dilated cardiomyopathy 1S. Last evaluated: 2022-04-20. Review status: criteria provided, single submitter. Criteria: ACMG Guidelines, 2015. Collection method: clinical testing. Allele origin: unknown.

Ambry Genetics
Classification: Uncertain significance for Cardiovascular phenotype. Last evaluated: 2019-12-19. Review status: criteria provided, single submitter. Criteria: Ambry Variant Classification Scheme 2023. Collection method: clinical testing. Allele origin: germline.
Comment: The p.Q1004E variant (also known as c.3010C>G), located in coding exon 22 of the MYH7 gene, results from a C to G substitution at nucleotide position 3010. The glutamine at codon 1004 is replaced by glutamic acid, an amino acid with highly similar properties. This amino acid position is highly conserved in available vertebrate species. In addition, the in silico prediction for this alteration is inconclusive. Since supporting evidence is limited at this time, the clinical significance of this alteration remains unclear.

GeneDx
Classification: Uncertain significance. Last evaluated: 2018-02-07. Review status: criteria provided, single submitter. Criteria: GeneDx Variant Classification (06012015). Collection method: clinical testing. Allele origin: germline. Affected: yes.
Comment: A variant of uncertain significance has been identified in the MYH7 gene. The Q1004E variant has not been published as pathogenic or been reported as benign to our knowledge. It is not observed at a significant frequency in large population cohorts (Lek et al., 2016). The Q1004E variant is a semi-conservative amino acid substitution, which may impact secondary protein structure as thee residues differ in some properties. However, in silico analysis, including protein predictors and evolutionary conservation, support that this variant does not alter protein structure/function. Additional evidence is needed to clarify pathogenicity, including significant observation in affected individuals, informative segregation data, and functional evidence.Therefore, based on the currently available information, it is unclear whether this variant is pathogenic or rare benign.

NM_000257.4(MYH7):c.3010C>G (p.Gln1004Glu)

Gene: MYH7 (myosin heavy chain 7; minus strand). Cytogenetic location: 14q11.2.
Variant type: single nucleotide variant.
Coding change: c.3010C>G on transcript NM_000257.4 (MANE Select); coding-DNA position 3010, C replaced by G.
Protein change: p.Gln1004Glu; replaces glutamine 1004 with glutamic acid.
Molecular consequence: missense variant.
Genome position (GRCh38, 1-based): chr14:23,423,636, G>C on the plus strand (C>G on the coding strand, the complement: MYH7 is on the minus strand). VCF-style: chr14-23423636-G-C. GRCh37 (hg19) VCF-style: chr14-23892845-G-C.
Other names: p.Q1004E:CAA>GAA; c.3010C>G (LRG_384t1); short protein forms Q1004E.
Identifiers: ClinVar variation 181209 (VCV000181209.18), dbSNP rs730880762, ClinGen allele CA013300.